The following is an entry in ClinVar:

NM_001287.6(CLCN7):c.572C>G (p.Ser191Cys)

Gene: CLCN7 (chloride voltage-gated channel 7; minus strand). Cytogenetic location: 16p13.3.
Variant type: single nucleotide variant.
Coding change: c.572C>G on transcript NM_001287.6 (MANE Select); coding-DNA position 572, C replaced by G.
Protein change: p.Ser191Cys; replaces serine 191 with cysteine.
Molecular consequence: missense variant.
Genome position (GRCh38, 1-based): chr16:1,460,440, G>C on the plus strand (C>G on the coding strand, the complement: CLCN7 is on the minus strand). VCF-style: chr16-1460440-G-C. GRCh37 (hg19) VCF-style: chr16-1510441-G-C.
Other names: c.500C>G, p.Ser167Cys (NM_001114331.3); short protein forms S167C, S191C.
Identifiers: ClinVar variation 2710485 (VCV002710485.3), dbSNP rs2505843924, ClinGen allele CA394192086.

ClinVar aggregate classification (germline): Uncertain significance (1 of 4 stars; one submission).

Allele frequency attached by ClinVar (database versions not stated): gnomAD exomes below 0.00001.
gnomAD v4.1: 4 of 1,613,496 alleles (0.00025%); highest among the groups gnomAD compares: Non-Finnish European, 0.00034%; no homozygotes.

Submission:

Labcorp Genetics (formerly Invitae), Labcorp
Classification: Uncertain significance. Last evaluated: 2024-05-02. Review status: criteria provided, single submitter. Criteria: Invitae Variant Classification Sherloc (09022015). Collection method: clinical testing. Allele origin: germline.
Comment: This sequence change replaces serine, which is neutral and polar, with cysteine, which is neutral and slightly polar, at codon 191 of the CLCN7 protein (p.Ser191Cys). This variant is not present in population databases (gnomAD no frequency). This variant has not been reported in the literature in individuals affected with CLCN7-related conditions. An algorithm developed to predict the effect of missense changes on protein structure and function (PolyPhen-2) suggests that this variant is likely to be tolerated. In summary, the available evidence is currently insufficient to determine the role of this variant in disease. Therefore, it has been classified as a Variant of Uncertain Significance.